The following is an entry in ClinVar:

NM_144670.6(A2ML1):c.1945A>G (p.Met649Val)

Gene: A2ML1 (alpha-2-macroglobulin like 1; plus strand). Cytogenetic location: 12p13.31.
Variant type: single nucleotide variant.
Coding change: c.1945A>G on transcript NM_144670.6 (MANE Select); coding-DNA position 1945, A replaced by G.
Protein change: p.Met649Val; replaces methionine 649 with valine.
Molecular consequence: missense variant.
Genome position (GRCh38, 1-based): chr12:8,848,831, A>G. VCF-style: chr12-8848831-A-G. GRCh37 (hg19) VCF-style: chr12-9001427-A-G.
Other names: c.472A>G, p.Met158Val (NM_001282424.3); short protein forms M158V, M649V.
Identifiers: ClinVar variation 1364588 (VCV001364588.11), dbSNP rs762406949, ClinGen allele CA6435849.
Genomic context (GRCh38, chr12:8,848,831, plus strand): 5'-GAGTATGATCAGTGTCCAGTGTCTGGCCCATGGGACTTTCCTCAGCCCCTCATTGACCCA[A>G]TGCCCCAAGGGCATTCGAGCCAGCGTTCCATTATCTGGAGGCCCTCGTTCTCTGAAGGCA-3'
Protein context (NP_653271.3, residues 639-659): WDFPQPLIDP[Met649Val]PQGHSSQRSI

ClinVar aggregate classification (germline): Conflicting classifications of pathogenicity. Review status: criteria provided, conflicting classifications (1 of 4 stars). 3 submissions from 3 submitters: Uncertain significance (2); Likely benign (1). Last evaluated 2025-01-30.

Conditions:
Otitis media, susceptibility to (OMS). Also called: COME/ROM; OTITIS MEDIA, CHRONIC/RECURRENT. Identifiers: MedGen C1833692, MONDO:0008162, OMIM 166760.

Allele frequency attached by ClinVar (database versions not stated): ExAC 0.00002; TOPMed 0.00010; gnomAD 0.00011 and 0.00012.

Submissions (3):

Labcorp Genetics (formerly Invitae), Labcorp
Classification: Uncertain significance. Last evaluated: 2025-01-30. Review status: criteria provided, single submitter. Criteria: Invitae Variant Classification Sherloc (09022015). Collection method: clinical testing. Allele origin: germline.
Comment: This sequence change replaces methionine, which is neutral and non-polar, with valine, which is neutral and non-polar, at codon 649 of the A2ML1 protein (p.Met649Val). This variant is present in population databases (rs762406949, gnomAD 0.03%). This variant has not been reported in the literature in individuals affected with A2ML1-related conditions. ClinVar contains an entry for this variant (Variation ID: 1364588). An algorithm developed to predict the effect of missense changes on protein structure and function outputs the following: PolyPhen-2: "Benign". The valine amino acid residue is found in multiple mammalian species, which suggests that this missense change does not adversely affect protein function. In summary, the available evidence is currently insufficient to determine the role of this variant in disease. Therefore, it has been classified as a Variant of Uncertain Significance.

Ambry Genetics
Classification: Likely benign. Last evaluated: 2023-05-17. Review status: criteria provided, single submitter. Criteria: Ambry Variant Classification Scheme 2023. Collection method: clinical testing. Allele origin: germline.

Fulgent Genetics
Classification: Uncertain significance for Otitis media, susceptibility to. Last evaluated: 2021-12-13. Review status: criteria provided, single submitter. Criteria: ACMG Guidelines, 2015. Collection method: clinical testing. Allele origin: unknown.